The following is an entry in ClinVar:

ClinVar aggregate classification (germline): Benign/Likely benign. Review status: criteria provided, multiple submitters, no conflicts (2 of 4 stars). 3 submissions from 3 submitters: Benign (1); Likely benign (1). 1 of the submissions does not count toward it. Last evaluated 2025-08-03.

Conditions:
ASXL1-related disorder. Also called: ASXL1-related condition; ASXL1-related disorders.

Allele frequency attached by ClinVar (database versions not stated): ExAC 0.00004; gnomAD 0.00007; ESP Exome Variant Server 0.00008; TOPMed 0.00009.
gnomAD v4.1: 179 of 1,614,066 alleles (0.011%); highest among the groups gnomAD compares: Middle Eastern, 0.016%; 1 homozygote.

Submissions (3):

Labcorp Genetics (formerly Invitae), Labcorp
Classification: Benign. Last evaluated: 2025-08-03. Review status: criteria provided, single submitter. Criteria: Invitae Variant Classification Sherloc (09022015). Collection method: clinical testing. Allele origin: germline.

Blueprint Genetics
Classification: Likely benign. Last evaluated: 2024-06-14. Review status: criteria provided, single submitter. Criteria: ACMG Guidelines, 2015. Collection method: clinical testing. Allele origin: germline.

PreventionGenetics, part of Exact Sciences
Classification: Uncertain significance for ASXL1-related condition. Last evaluated: 2024-09-18. Review status: no assertion criteria provided. Collection method: clinical testing. Allele origin: germline. Not counted in ClinVar's aggregate classification.
Comment: The ASXL1 c.1162G>A variant is predicted to result in the amino acid substitution p.Val388Ile. To our knowledge, this variant has not been reported in the literature. This variant is reported in 0.013% of alleles in individuals of European (Non-Finnish) descent in gnomAD. At this time, the clinical significance of this variant is uncertain due to the absence of conclusive functional and genetic evidence.

NM_015338.6(ASXL1):c.1162G>A (p.Val388Ile)

Gene: ASXL1 (ASXL transcriptional regulator 1; plus strand). Cytogenetic location: 20q11.21.
Variant type: single nucleotide variant.
Coding change: c.1162G>A on transcript NM_015338.6 (MANE Select); coding-DNA position 1162, G replaced by A.
Protein change: p.Val388Ile; replaces valine 388 with isoleucine.
Molecular consequence: missense variant.
Genome position (GRCh38, 1-based): chr20:32,433,360, G>A. VCF-style: chr20-32433360-G-A. GRCh37 (hg19) VCF-style: chr20-31021163-G-A.
Other names: c.979G>A, p.Val327Ile (NM_001363734.1); short protein forms V388I, V327I.
Identifiers: ClinVar variation 338084 (VCV000338084.11), dbSNP rs145699348, ClinGen allele CA9808306.
Genomic context (GRCh38, chr20:32,433,360, plus strand): 5'-GAAGAGTCATTGCAGCAGAACGTGGGCCAGGAGGAGGCTGAAATCAAAAGTGGCTTGTGT[G>A]TCCCAGGAGAATCAGTGCGTATACAGCGTGGTCCAGCCACCCGACAGCGAGATGGGCATT-3'
Protein context (NP_056153.2, residues 378-398): EEAEIKSGLC[Val388Ile]PGESVRIQRG